The following is an entry in ClinVar:

NM_000384.3(APOB):c.11401T>A (p.Ser3801Thr)

Gene: APOB (apolipoprotein B; minus strand). Cytogenetic location: 2p24.1.
Variant type: single nucleotide variant.
Coding change: c.11401T>A on transcript NM_000384.3 (MANE Select); coding-DNA position 11401, T replaced by A.
Protein change: p.Ser3801Thr; replaces serine 3801 with threonine.
Molecular consequence: missense variant.
Genome position (GRCh38, 1-based): chr2:21,005,467, A>T on the plus strand (T>A on the coding strand, the complement: APOB is on the minus strand). VCF-style: chr2-21005467-A-T. GRCh37 (hg19) VCF-style: chr2-21228339-A-T.
Other names: p.Ser3801Thr; short protein forms S3801T.
Identifiers: ClinVar variation 237734 (VCV000237734.75), dbSNP rs12713540, ClinGen allele CA046534.

ClinVar aggregate classification (germline): Conflicting classifications of pathogenicity. Review status: criteria provided, conflicting classifications (1 of 4 stars). 19 submissions from 18 submitters: Uncertain significance (7); Likely benign (9). 3 of the submissions do not count toward it. Last evaluated 2026-08-01.

Conditions:
APOB-related disorder. Also called: APOB-related disorders; APOB-related condition.
Cardiovascular phenotype. Identifiers: MedGen CN230736.
Familial hypobetalipoproteinemia 1. Also called: Hypobetalipoproteinemia, normotriglyceridemic; Acanthocytosis with hypobetalipoproteinemia; APOB-Related Familial Hypobetalipoproteinemia. Identifiers: MedGen C4551990, MONDO:0014252, OMIM 615558.
Hypercholesterolemia, autosomal dominant, type B (FHCL2). Also called: APOB-Related Familial Hypercholesterolemia, Autosomal Dominant; Familial hypercholesterolemia 2; APOLIPOPROTEIN B-100, FAMILIAL DEFECTIVE; APOLIPOPROTEIN B-100, FAMILIAL LIGAND-DEFECTIVE; Familial Hypercholesterolemia Type B; Hyperlipoproteinemia Type IIb. Identifiers: MedGen C1704417, MONDO:0007751, OMIM 144010.
Hypercholesterolemia, familial, 1. Also called: LDL RECEPTOR DISORDER; Hyperlipoproteinemia Type IIa; HYPER-LOW-DENSITY-LIPOPROTEINEMIA; HYPERCHOLESTEROLEMIC XANTHOMATOSIS, FAMILIAL; Fredrickson type IIa hyperlipoproteinemia; Hyperlipoproteinemia type 2. Identifiers: Orphanet 391665, MedGen C0745103, MONDO:0007750, OMIM 143890.

Allele frequency attached by ClinVar (database versions not stated): 1000 Genomes Project 30x 0.00031; 1000 Genomes Project 0.00040; ExAC 0.00105; gnomAD 0.00127; TOPMed 0.00143; ESP Exome Variant Server 0.00177; gnomAD exomes 0.00181.
gnomAD v4.1: 2,804 of 1,614,038 alleles (0.17%); highest among the groups gnomAD compares: Non-Finnish European, 0.22%; 7 homozygotes.

Submissions (19):

CeGaT Center for Human Genetics Tuebingen
Classification: Likely benign. Last evaluated: 2026-08-01. Review status: criteria provided, single submitter. Criteria: CeGaT Center For Human Genetics Tuebingen Variant Classification Criteria Version 2. Collection method: clinical testing. Allele origin: germline. Affected: yes. Observed: 11 variant alleles.
Comment: APOB: BP4, BS2

Labcorp Genetics (formerly Invitae), Labcorp
Classification: Likely benign for Familial hypobetalipoproteinemia 1; Hypercholesterolemia, autosomal dominant, type B. Last evaluated: 2026-01-27. Review status: criteria provided, single submitter. Criteria: Invitae Variant Classification Sherloc (09022015). Collection method: clinical testing. Allele origin: germline.

Molecular Diagnostic Laboratory for Inherited Cardiovascular Disease, Montreal Heart Institute
Classification: Likely benign. Last evaluated: 2025-04-08. Review status: criteria provided, single submitter. Criteria: ACMG Guidelines, 2015. Collection method: clinical testing. Allele origin: germline. Affected: no.
Comment: BS1;BP4

Mayo Clinic Laboratories, Mayo Clinic
Classification: Likely benign. Last evaluated: 2024-12-24. Review status: criteria provided, single submitter. Criteria: ACMG Guidelines, 2015. Collection method: clinical testing. Allele origin: germline. Observed: 11 variant alleles.
Comment: BS1, BP4_moderate

Blueprint Genetics
Classification: Likely benign. Last evaluated: 2024-11-19. Review status: criteria provided, single submitter. Criteria: ACMG Guidelines, 2015. Collection method: clinical testing. Allele origin: germline.

ARUP Laboratories, Molecular Genetics and Genomics, ARUP Laboratories
Classification: Likely benign. Last evaluated: 2024-01-09. Review status: criteria provided, single submitter. Criteria: ARUP Molecular Germline Variant Investigation Process 2024. Collection method: clinical testing. Allele origin: germline.

Quest Diagnostics Nichols Institute San Juan Capistrano
Classification: Likely benign. Last evaluated: 2022-06-01. Review status: criteria provided, single submitter. Criteria: Quest Diagnostics criteria. Collection method: clinical testing. Allele origin: unknown.

GeneDx
Classification: Likely benign. Last evaluated: 2020-11-03. Review status: criteria provided, single submitter. Criteria: GeneDx Variant Classification Process June 2021. Collection method: clinical testing. Allele origin: germline. Affected: yes.
Comment: This variant is associated with the following publications: (PMID: 30270084)

Ambry Genetics
Classification: Likely benign for Cardiovascular phenotype. Last evaluated: 2018-06-28. Review status: criteria provided, single submitter. Criteria: Ambry Variant Classification Scheme 2023. Collection method: clinical testing. Allele origin: germline.

Illumina Laboratory Services, Illumina
Classification: Uncertain significance for Hypercholesterolemia, autosomal dominant, type B. Last evaluated: 2018-01-13. Review status: criteria provided, single submitter. Criteria: ICSL Variant Classification Criteria 13 December 2019. Collection method: clinical testing. Allele origin: germline.

Illumina Laboratory Services, Illumina
Classification: Uncertain significance for Familial hypobetalipoproteinemia 1. Last evaluated: 2018-01-13. Review status: criteria provided, single submitter. Criteria: ICSL Variant Classification Criteria 13 December 2019. Collection method: clinical testing. Allele origin: germline.

Robarts Research Institute, Western University
Classification: Uncertain significance for Hypercholesterolemia, familial, 1. Last evaluated: 2018-01-02. Review status: criteria provided, single submitter. Criteria: ACMG Guidelines, 2015. Collection method: clinical testing. Allele origin: germline. Inheritance: Autosomal dominant inheritance. Affected: yes.

Color Diagnostics, LLC DBA Color Health
Classification: Uncertain significance for Familial hypercholesterolemia. Last evaluated: 2017-07-10. Review status: criteria provided, single submitter. Criteria: ACMG Guidelines, 2015. Collection method: clinical testing. Allele origin: germline.
Comment: Variant of Uncertain Significance due to insufficient evidence: This variant (also known as p.Ser3774Thr in the mature protein) is a missense variant located in the beta 2 domain of the APOB protein. Computational prediction tools and conservation analyses suggest that this variant may not impact the protein function. Computational splicing tools suggest that this variant may not impact the RNA splicing. To our knowledge, functional assays have not been performed for this variant nor has the variant been reported in individuals affected with FH in the literature. This variant has been identified in 323/277014 chromosomes (238/126528 European chromosomes) with 1 homozygote in the general population by the Genome Aggregation Database (gnomAD). Although this variant is fairly common in the population (0.12%), evidence is insufficient to rule out its pathogenicity conclusively.

Cardiovascular Research Group, Instituto Nacional de Saude Doutor Ricardo Jorge
Classification: Uncertain significance for Familial hypercholesterolemia. Last evaluated: 2016-03-01. Review status: criteria provided, single submitter. Criteria: ACMG Guidelines, 2015. Collection method: research. Allele origin: germline. Affected: yes.
Comment: 0/190 non-FH alleles

Iberoamerican FH Network
Classification: Uncertain significance for Familial hypercholesterolemia. Last evaluated: 2016-03-01. Review status: criteria provided, single submitter. Criteria: ACMG Guidelines, 2015. Collection method: research. Allele origin: germline.
Comment: Variant present in the database from Chile

Laboratory of Genetics and Molecular Cardiology, University of São Paulo
Classification: Uncertain significance for Familial hypercholesterolemia. Last evaluated: 2016-03-01. Review status: criteria provided, single submitter. Criteria: ACMG Guidelines, 2015. Collection method: research. Allele origin: germline. Study: HipercolBrasil.

PreventionGenetics, part of Exact Sciences
Classification: Likely benign for APOB-related condition. Last evaluated: 2022-07-18. Review status: no assertion criteria provided. Collection method: clinical testing. Allele origin: germline. Not counted in ClinVar's aggregate classification.
Comment: This variant is classified as likely benign based on ACMG/AMP sequence variant interpretation guidelines (Richards et al. 2015 PMID: 25741868, with internal and published modifications).

Clinical Genetics DNA and cytogenetics Diagnostics Lab, Erasmus MC, Erasmus Medical Center
Classification: Likely benign. Review status: no assertion criteria provided. Collection method: clinical testing. Allele origin: germline. Affected: yes. Study: VKGL Data-share Consensus. Not counted in ClinVar's aggregate classification.

Clinical Genetics, Academic Medical Center
Classification: Benign. Review status: no assertion criteria provided. Collection method: clinical testing. Allele origin: germline. Affected: yes. Study: VKGL Data-share Consensus. Not counted in ClinVar's aggregate classification.

Literature cited by the submitters: PubMed 30270084 (cited by Mayo Clinic Laboratories, Mayo Clinic and Quest Diagnostics Nichols Institute San Juan Capistrano); PubMed 34456049 (cited by Mayo Clinic Laboratories, Mayo Clinic); PubMed 36411388 (cited by Mayo Clinic Laboratories, Mayo Clinic); PubMed 36555767 (cited by Mayo Clinic Laboratories, Mayo Clinic); PubMed 37108800 (cited by Mayo Clinic Laboratories, Mayo Clinic); PubMed 28431867 (cited by Quest Diagnostics Nichols Institute San Juan Capistrano); PubMed 31150472 (cited by Quest Diagnostics Nichols Institute San Juan Capistrano); PubMed 26020417 (cited by Quest Diagnostics Nichols Institute San Juan Capistrano and Ambry Genetics).